The following is an entry in ClinVar:

ClinVar aggregate classification (germline): Uncertain significance. Review status: criteria provided, single submitter (1 of 4 stars). 2 submissions from 2 submitters: Uncertain significance (1). 1 of the submissions does not count toward it. Last evaluated 2023-03-18.

Conditions:
Charcot-Marie-Tooth Neuropathy X. Identifiers: MedGen CN118851.
Charcot-Marie-Tooth disease. Also called: Charcot-Marie-Tooth Hereditary Neuropathy; Charcot-Marie-Tooth Neuropathy. Identifiers: Orphanet 166, MedGen C0007959, MONDO:0015626.

Submissions (2):

Labcorp Genetics (formerly Invitae), Labcorp
Classification: Uncertain significance for Charcot-Marie-Tooth Neuropathy X. Last evaluated: 2023-03-18. Review status: criteria provided, single submitter. Criteria: Invitae Variant Classification Sherloc (09022015). Collection method: clinical testing. Allele origin: germline.
Comment: This sequence change replaces tryptophan, which is neutral and slightly polar, with cysteine, which is neutral and slightly polar, at codon 133 of the GJB1 protein (p.Trp133Cys). In summary, the available evidence is currently insufficient to determine the role of this variant in disease. Therefore, it has been classified as a Variant of Uncertain Significance. This variant disrupts the p.Trp133 amino acid residue in GJB1. Other variant(s) that disrupt this residue have been observed in individuals with GJB1-related conditions (PMID: 7477983), which suggests that this may be a clinically significant amino acid residue. Advanced modeling of protein sequence and biophysical properties (such as structural, functional, and spatial information, amino acid conservation, physicochemical variation, residue mobility, and thermodynamic stability) performed at Invitae indicates that this missense variant is not expected to disrupt GJB1 protein function. ClinVar contains an entry for this variant (Variation ID: 637675). This missense change has been observed in individual(s) with Charcot-Marie-Tooth disease (PMID: 9452099). This variant is not present in population databases (gnomAD no frequency).

Inherited Neuropathy Consortium
Classification: Uncertain significance for Charcot-Marie-Tooth disease. Review status: no assertion criteria provided. Collection method: literature only. Allele origin: germline. Affected: yes. Not counted in ClinVar's aggregate classification.

Literature cited by the submitters: PubMed 7477983 (cited by Labcorp Genetics (formerly Invitae), Labcorp); PubMed 9452099 (cited by Labcorp Genetics (formerly Invitae), Labcorp and Inherited Neuropathy Consortium).

NM_000166.6(GJB1):c.399G>T (p.Trp133Cys)

Gene: GJB1 (gap junction protein beta 1; plus strand). Cytogenetic location: Xq13.1.
Variant type: single nucleotide variant.
Coding change: c.399G>T on transcript NM_000166.6 (MANE Select); coding-DNA position 399, G replaced by T.
Protein change: p.Trp133Cys; replaces tryptophan 133 with cysteine.
Molecular consequence: missense variant.
Genome position (GRCh38, 1-based): chrX:71,224,106, G>T. VCF-style: chrX-71224106-G-T. GRCh37 (hg19) VCF-style: chrX-70443956-G-T.
Other names: c.399G>T, p.Trp133Cys (NM_001097642.3); short protein forms W133C.
Identifiers: ClinVar variation 637675 (VCV000637675.10), dbSNP rs1602349302, ClinGen allele CA413502192.
Genomic context (GRCh38, chrX:71,224,106, plus strand): 5'-CCCCCTACACCTGGAGGAGGTGAAGAGGCACAAGGTCCACATCTCAGGGACACTGTGGTG[G>T]ACCTATGTCATCAGCGTGGTGTTCCGGCTGTTGTTTGAGGCCGTCTTCATGTATGTCTTT-3'
Protein context (NP_000157.1, residues 123-143): HKVHISGTLW[Trp133Cys]TYVISVVFRL